The following is an entry in ClinVar:

NM_000018.4(ACADVL):c.655C>A (p.Pro219Thr)

Gene: ACADVL (acyl-CoA dehydrogenase very long chain; plus strand). Cytogenetic location: 17p13.1.
Variant type: single nucleotide variant.
Coding change: c.655C>A on transcript NM_000018.4 (MANE Select); coding-DNA position 655, C replaced by A.
Protein change: p.Pro219Thr; replaces proline 219 with threonine.
Molecular consequence: missense variant.
Genome position (GRCh38, 1-based): chr17:7,221,984, C>A. VCF-style: chr17-7221984-C-A. GRCh37 (hg19) VCF-style: chr17-7125303-C-A.
Other names: c.589C>A, p.Pro197Thr (NM_001033859.3); c.724C>A, p.Pro242Thr (NM_001270447.2); c.427C>A, p.Pro143Thr (NM_001270448.2); short protein forms P242T, P143T, P197T, P219T.
Identifiers: ClinVar variation 1454452 (VCV001454452.6), dbSNP rs772898391, ClinGen allele CA8337803.

ClinVar aggregate classification (germline): Pathogenic (1 of 4 stars; one submission).

Conditions:
Very long chain acyl-CoA dehydrogenase deficiency (ACADVLD). Also called: VLCAD Deficiency; Very Long-Chain Acyl-Coenzyme A Dehydrogenase Deficiency. Identifiers: Orphanet 26793, MedGen C3887523, MONDO:0008723, OMIM 201475.

Allele frequency attached by ClinVar (database versions not stated): TOPMed below 0.00001; ExAC 0.00001; gnomAD 0.00001.
gnomAD v4.1: 20 of 1,614,012 alleles (0.0012%); highest among the groups gnomAD compares: Non-Finnish European, 0.0011%; no homozygotes.

Submission:

Labcorp Genetics (formerly Invitae), Labcorp
Classification: Pathogenic for Very long chain acyl-CoA dehydrogenase deficiency. Last evaluated: 2025-11-19. Review status: criteria provided, single submitter. Criteria: Invitae Variant Classification Sherloc (09022015). Collection method: clinical testing. Allele origin: germline.
Comment: This sequence change replaces proline, which is neutral and non-polar, with threonine, which is neutral and polar, at codon 219 of the ACADVL protein (p.Pro219Thr). This variant is present in population databases (rs772898391, gnomAD 0.0009%). This missense change has been observed in individual(s) with very long chain acyl-CoA dehydrogenase deficiency (internal data). In at least one individual the data is consistent with being in trans (on the opposite chromosome) from a pathogenic variant. ClinVar contains an entry for this variant (Variation ID: 1454452). Invitae Evidence Modeling of protein sequence and biophysical properties (such as structural, functional, and spatial information, amino acid conservation, physicochemical variation, residue mobility, and thermodynamic stability) indicates that this missense variant is not expected to disrupt ACADVL protein function with a negative predictive value of 80%. For these reasons, this variant has been classified as Pathogenic.